The following is an entry in ClinVar:

ClinVar aggregate classification (germline): Uncertain significance. Review status: criteria provided, multiple submitters, no conflicts (2 of 4 stars). 2 submissions from 2 submitters: Uncertain significance (2). Last evaluated 2023-08-28.

Conditions:
Hereditary cancer-predisposing syndrome. Also called: Neoplastic Syndromes, Hereditary; Tumor predisposition; Hereditary Cancer Syndrome; Hereditary neoplastic syndrome. Identifiers: Orphanet 140162, MedGen C0027672, MeSH D009386, MONDO:0015356.
Familial adenomatous polyposis 1 (FAP1). Also called: FAMILIAL ADENOMATOUS POLYPOSIS 1, ATTENUATED; POLYPOSIS, ADENOMATOUS INTESTINAL. Identifiers: MedGen C2713442, MONDO:0021056, OMIM 175100. Disease mechanism: loss of function.

gnomAD v4.1: 1 of 1,614,114 alleles (0.000062%); no homozygotes.

Submissions (2):

Ambry Genetics
Classification: Uncertain significance for Hereditary cancer-predisposing syndrome. Last evaluated: 2023-08-28. Review status: criteria provided, single submitter. Criteria: Ambry Variant Classification Scheme 2023. Collection method: clinical testing. Allele origin: germline.
Comment: The p.G122A variant (also known as c.365G>C), located in coding exon 3 of the APC gene, results from a G to C substitution at nucleotide position 365. The glycine at codon 122 is replaced by alanine, an amino acid with similar properties. This amino acid position is well conserved in available vertebrate species. In addition, in silico predictors for this gene do not accurately predict pathogenicity. Since supporting evidence is limited at this time, the clinical significance of this alteration remains unclear.

Labcorp Genetics (formerly Invitae), Labcorp
Classification: Uncertain significance for Familial adenomatous polyposis 1. Last evaluated: 2022-05-14. Review status: criteria provided, single submitter. Criteria: Invitae Variant Classification Sherloc (09022015). Collection method: clinical testing. Allele origin: germline.
Comment: In summary, the available evidence is currently insufficient to determine the role of this variant in disease. Therefore, it has been classified as a Variant of Uncertain Significance. Algorithms developed to predict the effect of missense changes on protein structure and function output the following: SIFT: "Tolerated"; PolyPhen-2: "Benign"; Align-GVGD: "Class C0". The alanine amino acid residue is found in multiple mammalian species, which suggests that this missense change does not adversely affect protein function. ClinVar contains an entry for this variant (Variation ID: 649119). This variant has not been reported in the literature in individuals affected with APC-related conditions. This variant is not present in population databases (gnomAD no frequency). This sequence change replaces glycine, which is neutral and non-polar, with alanine, which is neutral and non-polar, at codon 122 of the APC protein (p.Gly122Ala).

NM_000038.6(APC):c.365G>C (p.Gly122Ala)

Gene: APC (APC regulator of Wnt signaling pathway; plus strand). Cytogenetic location: 5q22.2.
Variant type: single nucleotide variant.
Coding change: c.365G>C on transcript NM_000038.6 (MANE Select); coding-DNA position 365, G replaced by C.
Protein change: p.Gly122Ala; replaces glycine 122 with alanine.
Molecular consequence: missense variant. On other transcripts: 5 prime UTR variant (1).
Genome position (GRCh38, 1-based): chr5:112,767,333, G>C. VCF-style: chr5-112767333-G-C. GRCh37 (hg19) VCF-style: chr5-112103030-G-C.
Other names: c.365G>C, p.Gly122Ala (NM_001127510.3, NM_001354895.2, NM_001354896.2 and 2 more transcripts); c.395G>C, p.Gly132Ala (NM_001127511.3, NM_001354897.2, NM_001354902.2); c.290G>C, p.Gly97Ala (NM_001354898.2, NM_001354904.2); c.188G>C, p.Gly63Ala (NM_001354900.2, NM_001354901.2, NM_001354905.2); c.-671G>C (NM_001354906.2); short protein forms G63A, G122A, G132A, G97A.
Identifiers: ClinVar variation 649119 (VCV000649119.14), dbSNP rs755660899, ClinGen allele CA16022119.